The following is an entry in ClinVar:

ClinVar aggregate classification (germline): Uncertain significance. Review status: criteria provided, multiple submitters, no conflicts (2 of 4 stars). 2 submissions from 2 submitters: Uncertain significance (2). Last evaluated 2025-08-07.

Conditions:
Inborn genetic diseases. Identifiers: MedGen C0950123, MeSH D030342.
EPHA2-related disorder. Also called: EPHA2-related condition.

gnomAD v4.1: 5 of 1,614,116 alleles (0.00031%); highest among the groups gnomAD compares: Non-Finnish European, 0.00042%; no homozygotes.

Submissions (2):

Ambry Genetics
Classification: Uncertain significance for Inborn genetic diseases. Last evaluated: 2025-08-07. Review status: criteria provided, single submitter. Criteria: Ambry Variant Classification Scheme 2023. Collection method: clinical testing. Allele origin: germline.

PreventionGenetics, part of Exact Sciences
Classification: Uncertain significance for EPHA2-related condition. Last evaluated: 2024-12-05. Review status: criteria provided, single submitter. Criteria: ACMG Guidelines, 2015. Collection method: clinical testing. Allele origin: germline.
Comment: The EPHA2 c.1631G>A variant is predicted to result in the amino acid substitution p.Gly544Asp. To our knowledge, this variant has not been reported in the literature. This variant is reported in 0.00088% of alleles in individuals of European (Non-Finnish) descent in gnomAD. At this time, the clinical significance of this variant is uncertain due to the absence of conclusive functional and genetic evidence.

NM_004431.5(EPHA2):c.1631G>A (p.Gly544Asp)

Gene: EPHA2 (EPH receptor A2; minus strand). Cytogenetic location: 1p36.13.
Variant type: single nucleotide variant.
Coding change: c.1631G>A on transcript NM_004431.5 (MANE Select); coding-DNA position 1631, G replaced by A.
Protein change: p.Gly544Asp; replaces glycine 544 with aspartic acid.
Molecular consequence: missense variant.
Genome position (GRCh38, 1-based): chr1:16,134,519, C>T on the plus strand (G>A on the coding strand, the complement: EPHA2 is on the minus strand). VCF-style: chr1-16134519-C-T. GRCh37 (hg19) VCF-style: chr1-16461014-C-T.
Other names: c.1631G>A (NM_004431.4); c.1469G>A, p.Gly490Asp (NM_001329090.2); short protein forms G544D, G490D.
Identifiers: ClinVar variation 4249787 (VCV004249787.2).